The following is an entry in ClinVar:

NM_005881.4(BCKDK):c.556G>A (p.Val186Ile)

Gene: BCKDK (branched chain keto acid dehydrogenase kinase; plus strand). Cytogenetic location: 16p11.2.
Variant type: single nucleotide variant.
Coding change: c.556G>A on transcript NM_005881.4 (MANE Select); coding-DNA position 556, G replaced by A.
Protein change: p.Val186Ile; replaces valine 186 with isoleucine.
Molecular consequence: missense variant.
Genome position (GRCh38, 1-based): chr16:31,110,413, G>A. VCF-style: chr16-31110413-G-A. GRCh37 (hg19) VCF-style: chr16-31121734-G-A.
Other names: c.556G>A, p.Val186Ile (NM_001122957.4, NM_001271926.3); short protein forms V186I.
Identifiers: ClinVar variation 1037546 (VCV001037546.11), dbSNP rs188092823, ClinGen allele CA8021613.

ClinVar aggregate classification (germline): Uncertain significance. Review status: criteria provided, multiple submitters, no conflicts (2 of 4 stars). 4 submissions from 4 submitters: Uncertain significance (4). Last evaluated 2024-12-31.

Conditions:
Branched-chain keto acid dehydrogenase kinase deficiency (BCKDKD). Also called: BCKDK DEFICIENCY. Identifiers: Orphanet 308410, MedGen C3554078, MONDO:0013970, OMIM 614923.

Allele frequency attached by ClinVar (database versions not stated): gnomAD 0.00006 and 0.00008; gnomAD exomes 0.00007 and 0.00008; TOPMed 0.00008; 1000 Genomes Project 0.00020; 1000 Genomes Project 30x 0.00047; ExAC 0.00005.

Submissions (4):

Athena Diagnostics
Classification: Uncertain significance. Last evaluated: 2024-12-31. Review status: criteria provided, single submitter. Criteria: Athena Diagnostics Criteria. Collection method: clinical testing. Allele origin: unknown.
Comment: Available data are insufficient to determine the clinical significance of the variant at this time. The frequency of this variant in the general population is uninformative in assessment of its pathogenicity. Polyphen and MutationTaster predict this amino acid change may be benign.

Labcorp Genetics (formerly Invitae), Labcorp
Classification: Uncertain significance for Branched-chain keto acid dehydrogenase kinase deficiency. Last evaluated: 2024-10-26. Review status: criteria provided, single submitter. Criteria: Invitae Variant Classification Sherloc (09022015). Collection method: clinical testing. Allele origin: germline.
Comment: This sequence change replaces valine, which is neutral and non-polar, with isoleucine, which is neutral and non-polar, at codon 186 of the BCKDK protein (p.Val186Ile). This variant is present in population databases (rs188092823, gnomAD 0.03%). This variant has not been reported in the literature in individuals affected with BCKDK-related conditions. ClinVar contains an entry for this variant (Variation ID: 1037546). Invitae Evidence Modeling of protein sequence and biophysical properties (such as structural, functional, and spatial information, amino acid conservation, physicochemical variation, residue mobility, and thermodynamic stability) indicates that this missense variant is not expected to disrupt BCKDK protein function with a negative predictive value of 80%. In summary, the available evidence is currently insufficient to determine the role of this variant in disease. Therefore, it has been classified as a Variant of Uncertain Significance.

GeneDx
Classification: Uncertain significance. Last evaluated: 2019-02-13. Review status: criteria provided, single submitter. Criteria: GeneDx Variant Classification Process June 2021. Collection method: clinical testing. Allele origin: germline. Affected: yes.
Comment: Has not been previously published as pathogenic or benign to our knowledge

Breakthrough Genomics
Classification: Uncertain significance. Review status: criteria provided, single submitter. Criteria: ACMG Guidelines, 2015. Collection method: not provided. Allele origin: germline. Inheritance: Unknown mechanism. Affected: yes.